The following is an entry in ClinVar:

ClinVar aggregate classification (germline): Uncertain significance. Review status: criteria provided, multiple submitters, no conflicts (2 of 4 stars). 2 submissions from 2 submitters: Uncertain significance (2). Last evaluated 2023-11-24.

Conditions:
Mucopolysaccharidosis type 1. Also called: IDUA deficiency; MPS I; Mucopolysaccharidosis Type I. Identifiers: Orphanet 579, MedGen C0023786, MONDO:0001586.

Submissions (2):

Labcorp Genetics (formerly Invitae), Labcorp
Classification: Uncertain significance for Mucopolysaccharidosis type 1. Last evaluated: 2023-11-24. Review status: criteria provided, single submitter. Criteria: Invitae Variant Classification Sherloc (09022015). Collection method: clinical testing. Allele origin: germline.
Comment: This sequence change replaces alanine, which is neutral and non-polar, with leucine, which is neutral and non-polar, at codon 367 of the IDUA protein (p.Ala367Leu). Information on the frequency of this variant in the gnomAD database is not available, as this variant may be reported differently in the database. This variant has not been reported in the literature in individuals affected with IDUA-related conditions. ClinVar contains an entry for this variant (Variation ID: 2432776). An algorithm developed to predict the effect of missense changes on protein structure and function (PolyPhen-2) suggests that this variant is likely to be tolerated. This variant disrupts the p.Ala367 amino acid residue in IDUA. Other variant(s) that disrupt this residue have been determined to be pathogenic (PMID: 22112002, 27392569; Invitae). This suggests that this residue is clinically significant, and that variants that disrupt this residue are likely to be disease-causing. In summary, the available evidence is currently insufficient to determine the role of this variant in disease. Therefore, it has been classified as a Variant of Uncertain Significance.

Revvity Omics, Revvity
Classification: Uncertain significance. Last evaluated: 2022-10-25. Review status: criteria provided, single submitter. Criteria: ACMG Guidelines, 2015. Collection method: clinical testing. Allele origin: germline.

Literature cited by the submitters: PubMed 22112002 (cited by Labcorp Genetics (formerly Invitae), Labcorp); PubMed 27392569 (cited by Labcorp Genetics (formerly Invitae), Labcorp).

NM_000203.5(IDUA):c.1099_1100delinsTT (p.Ala367Leu)

Gene: IDUA (alpha-L-iduronidase; plus strand). Cytogenetic location: 4p16.3.
Variant type: Indel.
Coding change: c.1099_1100delinsTT on transcript NM_000203.5 (MANE Select); coding-DNA positions 1099 to 1100, GC replaced by TT.
Protein change: p.Ala367Leu; replaces alanine 367 with leucine.
Molecular consequence: missense variant. On other transcripts: non-coding transcript variant (1).
Genome position (GRCh38, 1-based): chr4:1,002,395-1,002,396, GC replaced by TT. VCF-style: chr4-1002395-GC-TT. GRCh37 (hg19) VCF-style: chr4-996183-GC-TT.
Other names: c.703_704delinsTT, p.Ala235Leu (NM_001363576.1); short protein forms A235L, A367L.
Identifiers: ClinVar variation 2432776 (VCV002432776.6), dbSNP rs2534089715, ClinGen allele CA2580070664.